The following is an entry in ClinVar:

NM_000059.4(BRCA2):c.7036_7039del (p.Asn2346fs)

Gene: BRCA2 (BRCA2 DNA repair associated; plus strand). Cytogenetic location: 13q13.1.
Variant type: Deletion.
Coding change: c.7036_7039del on transcript NM_000059.4 (MANE Select); coding-DNA positions 7036 to 7039, 4 bases deleted (AATC; older notation c.7036_7039delAATC).
Protein change: p.Asn2346fs; shifts the reading frame from asparagine 2346.
Molecular consequence: frameshift variant.
Genome position (GRCh38, 1-based): chr13:32,354,889-32,354,892, AATC deleted. VCF-style (leftmost placement, unchanged base first): chr13-32354888-GAATC-G. GRCh37 (hg19) VCF-style: chr13-32929025-GAATC-G.
Other names: c.6940_6943delAATC, p.Asn2314Glnfs (NM_001406719.1); c.7036_7039delAATC, p.Asn2346Glnfs (NM_001406720.1); c.2104_2107delAATC, p.Asn702Glnfs (NM_001406721.1); c.619_622delAATC, p.Asn207Glnfs (NM_001406722.1); short protein forms N2346fs.
Identifiers: ClinVar variation 1756804 (VCV001756804.2), dbSNP rs2548539992, ClinGen allele CA2580087374.
Genomic context (GRCh38, chr13:32,354,888, plus strand): 5'-TCAATAAACTTATATATTTTCTCCCCATTGCAGCACAACTAAGGAACGTCAAGAGATACA[GAATC>G]CAAATTTTACCGCACCTGGTCAAGAATTTCTGTCTAAATCTCATTTGTATGAACATCTGA-3'

ClinVar aggregate classification (germline): Pathogenic (1 of 4 stars; one submission).

Conditions:
Hereditary cancer-predisposing syndrome. Also called: Neoplastic Syndromes, Hereditary; Tumor predisposition; Hereditary Cancer Syndrome; Hereditary neoplastic syndrome. Identifiers: Orphanet 140162, MedGen C0027672, MeSH D009386, MONDO:0015356.

Submission:

Ambry Genetics
Classification: Pathogenic for Hereditary cancer-predisposing syndrome. Last evaluated: 2021-06-14. Review status: criteria provided, single submitter. Criteria: Ambry Variant Classification Scheme 2023. Collection method: clinical testing. Allele origin: germline.
Comment: The c.7036_7039delAATC pathogenic mutation, located in coding exon 13 of the BRCA2 gene, results from a deletion of 4 nucleotides at nucleotide positions 7036 to 7039, causing a translational frameshift with a predicted alternate stop codon (p.N2346Qfs*20). This variant is considered to be rare based on population cohorts in the Genome Aggregation Database (gnomAD). This alteration is expected to result in loss of function by premature protein truncation or nonsense-mediated mRNA decay. As such, this alteration is interpreted as a disease-causing mutation.